The following is an entry in ClinVar:

NM_001267550.2(TTN):c.70748C>A (p.Thr23583Lys)

Genes: TTN-AS1 (TTN antisense RNA 1; plus strand), TTN (titin; minus strand). Cytogenetic location: 2q31.2.
Variant type: single nucleotide variant.
Coding change: c.70748C>A on transcript NM_001267550.2 (MANE Select); coding-DNA position 70748, C replaced by A.
Protein change: p.Thr23583Lys; replaces threonine 23583 with lysine.
Molecular consequence: missense variant.
Genome position (GRCh38, 1-based): chr2:178,575,384, G>T on the plus strand (C>A on the coding strand, the complement: TTN is on the minus strand). VCF-style: chr2-178575384-G-T. GRCh37 (hg19) VCF-style: chr2-179440111-G-T.
Other names: c.63044C>A, p.Thr21015Lys (NM_133378.4); c.65825C>A, p.Thr21942Lys (NM_001256850.1); c.43553C>A, p.Thr14518Lys (NM_003319.4); c.43928C>A, p.Thr14643Lys (NM_133432.3); c.44129C>A, p.Thr14710Lys (NM_133437.4); c.70748C>A (NM_001267550.1); short protein forms T23583K, T21015K, T14710K, T21942K, T14518K, T14643K.
Identifiers: ClinVar variation 47291 (VCV000047291.52), dbSNP rs397517687, ClinGen allele CA140591.
Genomic context (GRCh38, chr2:178,575,384, plus strand): 5'-AAGGTATATTCCTCTCCTTCAGTTAGATTCCTCACAACACATTCTAACCCTTTCACGGTT[G>T]TGATGTGGGTCCACTGGTCAGAGCCTTTTCTTTGGGCTTCAATCACATAGCCAGTGATCT-3'
Protein context (NP_001254479.2, residues 23573-23593): RKGSDQWTHI[Thr23583Lys]TVKGLECVVR

ClinVar aggregate classification (germline): Conflicting classifications of pathogenicity. Review status: criteria provided, conflicting classifications (1 of 4 stars). 8 submissions from 8 submitters: Uncertain significance (7); Likely benign (1). Last evaluated 2026-06-23.

Conditions:
TTN-related disorder. Also called: TTN-related condition; TTN-related disease; TTN-related disorders.
Dilated cardiomyopathy 1G (CMD1G). Identifiers: Orphanet 154, MedGen C1858763, MONDO:0011400, OMIM 604145.
Autosomal recessive limb-girdle muscular dystrophy type 2J (LGMDR10). Also called: Limb-girdle muscular dystrophy, type 2J; MUSCULAR DYSTROPHY, LIMB-GIRDLE, AUTOSOMAL RECESSIVE 10. Identifiers: Orphanet 140922, MedGen C1837342, MONDO:0012127, OMIM 608807.
Myopathy, myofibrillar, 9, with early respiratory failure (MFM9). Also called: Hereditary myopathy with early respiratory failure; Myopathy, distal, with early respiratory failure, autosomal dominant; EDSTROM MYOPATHY; MYOPATHY, PROXIMAL, WITH EARLY RESPIRATORY MUSCLE INVOLVEMENT. Identifiers: Orphanet 178464, Orphanet 34521, MedGen C1863599, MONDO:0011362, OMIM 603689.
Tibial muscular dystrophy (TMD). Also called: Udd Distal Myopathy – Tibial Muscular Dystrophy; Tibial muscular dystrophy, tardive; UDD MYOPATHY. Identifiers: Orphanet 609, MedGen C1838244, MONDO:0010870, OMIM 600334.
Early-onset myopathy with fatal cardiomyopathy (CMYO5). Also called: Salih Myopathy; CONGENITAL MYOPATHY 5 WITH CARDIOMYOPATHY. Identifiers: Orphanet 289377, MedGen C2673677, MONDO:0012714, OMIM 611705. Disease mechanism: loss of function.
Hypertrophic cardiomyopathy 9. Also called: Familial hypertrophic cardiomyopathy 9. Identifiers: MedGen C1861065, MONDO:0013412, OMIM 613765.
Cardiomyopathy (CMYO). Also called: Cardiomyopathies. Identifiers: Orphanet 167848, MedGen C0878544, MONDO:0004994, HP:0001638. Inheritance: Various modes of inheritance.

Allele frequency attached by ClinVar (database versions not stated): TOPMed 0.00001; gnomAD 0.00002; gnomAD exomes 0.00004; ExAC 0.00005.
gnomAD v4.1: 40 of 1,613,516 alleles (0.0025%); highest among the groups gnomAD compares: Middle Eastern, 0.033%; no homozygotes.

Submissions (8):

PreventionGenetics, part of Exact Sciences
Classification: Uncertain significance for TTN-related condition. Last evaluated: 2026-06-23. Review status: criteria provided, single submitter. Criteria: ACMG Guidelines, 2015. Collection method: clinical testing. Allele origin: germline.
Comment: The TTN c.70748C>A variant is predicted to result in the amino acid substitution p.Thr23583Lys. This variant has been reported in two unrelated individuals with skeletal myopathy (Savarese et al. 2020. PubMed ID: 32039858). This variant is reported in 0.0080% of alleles in individuals of European (Non-Finnish) descent in gnomAD. At this time, the clinical significance of this variant is uncertain due to the absence of conclusive functional and genetic evidence.

Revvity Omics, Revvity
Classification: Uncertain significance. Last evaluated: 2023-09-26. Review status: criteria provided, single submitter. Criteria: ACMG Guidelines, 2015. Collection method: clinical testing. Allele origin: germline.

CHEO Genetics Diagnostic Laboratory, Children's Hospital of Eastern Ontario
Classification: Uncertain significance for Cardiomyopathy. Last evaluated: 2021-04-16. Review status: criteria provided, single submitter. Criteria: ACMG Guidelines, 2015. Collection method: clinical testing. Allele origin: germline.

CeGaT Center for Human Genetics Tuebingen
Classification: Uncertain significance. Last evaluated: 2020-10-01. Review status: criteria provided, single submitter. Criteria: CeGaT Center For Human Genetics Tuebingen Variant Classification Criteria Version 2. Collection method: clinical testing. Allele origin: germline. Affected: yes. Observed: 1 variant allele.

GeneDx
Classification: Likely benign. Last evaluated: 2019-09-11. Review status: criteria provided, single submitter. Criteria: GeneDx Variant Classification Process June 2021. Collection method: clinical testing. Allele origin: germline. Affected: yes.
Comment: See Variant Classification Assertion Criteria.

Fulgent Genetics
Classification: Uncertain significance for Tibial muscular dystrophy; Myopathy, myofibrillar, 9, with early respiratory failure; Dilated cardiomyopathy 1G; Autosomal recessive limb-girdle muscular dystrophy type 2J; Early-onset myopathy with fatal cardiomyopathy; Hypertrophic cardiomyopathy 9. Last evaluated: 2018-10-31. Review status: criteria provided, single submitter. Criteria: ACMG Guidelines, 2015. Collection method: clinical testing. Allele origin: unknown.

Labcorp Genetics (formerly Invitae), Labcorp
Classification: Uncertain significance for Dilated cardiomyopathy 1G; Autosomal recessive limb-girdle muscular dystrophy type 2J. Last evaluated: 2016-07-10. Review status: criteria provided, single submitter. Criteria: Invitae Variant Classification Sherloc (09022015). Collection method: clinical testing. Allele origin: germline.

Laboratory for Molecular Medicine, Mass General Brigham Personalized Medicine
Classification: Uncertain significance. Last evaluated: 2012-09-21. Review status: criteria provided, single submitter. Criteria: LMM Criteria. Collection method: clinical testing. Allele origin: germline. Observed: 1 variant allele.
Comment: Variant classified as Uncertain Significance - Favor Benign. The Thr21015Lys var iant in TTN has not previously been identified in our laboratory or in the liter ature. Threonine (Thr) at amino acid 21015 is not well conserved and this varian t (Thr21015Lys) is present in rat, suggesting that a change to this position may be tolerated. Computational analyses (biochemical amino acid properties, AlignG VGD, PolyPhen2, and SIFT) also suggest that the Thr21015Lys variant may not impa ct the protein, though this information is not predictive enough to rule out pat hogenicity. In summary, this variant is less likely disease causing but addition al studies are needed to establish this with confidence.